The following is an entry in ClinVar:

ClinVar aggregate classification (germline): Pathogenic (1 of 4 stars; one submission).

Conditions:
Familial cancer of breast. Also called: hereditary breast carcinoma; BREAST CANCER, FAMILIAL; Hereditary breast cancer. Identifiers: Orphanet 227535, MedGen C0346153, MONDO:0016419, OMIM 114480. Disease mechanism: loss of function.

Submission:

Labcorp Genetics (formerly Invitae), Labcorp
Classification: Pathogenic for Familial cancer of breast. Last evaluated: 2025-04-24. Review status: criteria provided, single submitter. Criteria: Invitae Variant Classification Sherloc (09022015). Collection method: clinical testing. Allele origin: germline.
Comment: This sequence change creates a premature translational stop signal (p.Pro425Thrfs*4) in the CHEK2 gene. It is expected to result in an absent or disrupted protein product. Loss-of-function variants in CHEK2 are known to be pathogenic (PMID: 21876083, 24713400). This variant is not present in population databases (gnomAD no frequency). This variant has not been reported in the literature in individuals affected with CHEK2-related conditions. Algorithms developed to predict the effect of sequence changes on RNA splicing suggest that this variant may create or strengthen a splice site. For these reasons, this variant has been classified as Pathogenic.

Literature cited by the submitters: PubMed 21876083; PubMed 24713400.

NM_007194.4(CHEK2):c.1273_1274del (p.Pro425fs)

Gene: CHEK2 (checkpoint kinase 2; minus strand). Cytogenetic location: 22q12.1.
Variant type: Deletion.
Coding change: c.1273_1274del on transcript NM_007194.4 (MANE Select); coding-DNA positions 1273 to 1274, 2 bases deleted (CC; older notation c.1273_1274delCC).
Protein change: p.Pro425fs; shifts the reading frame from proline 425.
Molecular consequence: frameshift variant.
Genome position (GRCh38, 1-based): chr22:28,695,228-28,695,229, GG deleted on the plus strand (CC on the coding strand, the reverse complement: CHEK2 is on the minus strand). VCF-style (leftmost placement, unchanged base first): chr22-28695227-TGG-T. GRCh37 (hg19) VCF-style: chr22-29091215-TGG-T.
Other names: c.1402_1403del, p.Pro468fs (NM_001005735.3); c.610_611del, p.Pro204fs (NM_001257387.3, NM_001437942.1); c.1072_1073del, p.Pro358fs (NM_001349956.3); c.1366_1367del, p.Pro456fs (NM_001438293.1); c.1315_1316del, p.Pro439fs (NM_001438294.1); c.1279_1280del, p.Pro427fs (NM_001438295.1); c.1186_1187del, p.Pro396fs (NM_145862.3); short protein forms P439fs, P468fs, P358fs, P396fs, P427fs, P204fs, P456fs, P425fs.
Identifiers: ClinVar variation 4718287 (VCV004718287.1).
Genomic context (GRCh38, chr22:28,695,227, plus strand): 5'-GTATTTTCCACTGGTGATCTGATCCTTCAGTGACACTTGAGTCCTATGCTCAGAGAAAGG[TGG>T]ATACCCACTAAGGCTTAATATTGGTAGAGAGAGAAAGGAAAAGAAATCAAGTGGCATTCT-3'